The following is an entry in ClinVar:

NM_014754.3(PTDSS1):c.920T>G (p.Leu307Trp)

Gene: PTDSS1 (phosphatidylserine synthase 1; plus strand). Cytogenetic location: 8q22.1.
Variant type: single nucleotide variant.
Coding change: c.920T>G on transcript NM_014754.3 (MANE Select); coding-DNA position 920, T replaced by G.
Protein change: p.Leu307Trp; replaces leucine 307 with tryptophan.
Molecular consequence: missense variant.
Genome position (GRCh38, 1-based): chr8:96,306,469, T>G. VCF-style: chr8-96306469-T-G. GRCh37 (hg19) VCF-style: chr8-97318697-T-G.
Other names: c.482T>G, p.Leu161Trp (NM_001290225.2); c.920T>G (NM_014754.1); short protein forms L307W, L161W.
Identifiers: ClinVar variation 2885012 (VCV002885012.4), dbSNP rs757267921, ClinGen allele CA4816692.

ClinVar aggregate classification (germline): Uncertain significance. Review status: criteria provided, multiple submitters, no conflicts (2 of 4 stars). 2 submissions from 2 submitters: Uncertain significance (2). Last evaluated 2025-12-15.

Conditions:
Inborn genetic diseases. Identifiers: MedGen C0950123, MeSH D030342.

Allele frequency attached by ClinVar (database versions not stated): gnomAD exomes 0.00003; ExAC 0.00003; TOPMed 0.00003.
gnomAD v4.1: 37 of 1,614,174 alleles (0.0023%); highest among the groups gnomAD compares: Admixed American, 0.0083%; no homozygotes.

Submissions (2):

Labcorp Genetics (formerly Invitae), Labcorp
Classification: Uncertain significance. Last evaluated: 2025-12-15. Review status: criteria provided, single submitter. Criteria: Invitae Variant Classification Sherloc (09022015). Collection method: clinical testing. Allele origin: germline.
Comment: This sequence change replaces leucine, which is neutral and non-polar, with tryptophan, which is neutral and slightly polar, at codon 307 of the PTDSS1 protein (p.Leu307Trp). This variant is present in population databases (rs757267921, gnomAD 0.007%). This variant has not been reported in the literature in individuals affected with PTDSS1-related conditions. ClinVar contains an entry for this variant (Variation ID: 2885012). Invitae Evidence Modeling of protein sequence and biophysical properties (such as structural, functional, and spatial information, amino acid conservation, physicochemical variation, residue mobility, and thermodynamic stability) indicates that this missense variant is expected to disrupt PTDSS1 protein function with a positive predictive value of 80%. In summary, the available evidence is currently insufficient to determine the role of this variant in disease. Therefore, it has been classified as a Variant of Uncertain Significance.

Ambry Genetics
Classification: Uncertain significance for Inborn genetic diseases. Last evaluated: 2025-01-20. Review status: criteria provided, single submitter. Criteria: Ambry Variant Classification Scheme 2023. Collection method: clinical testing. Allele origin: germline.